The following is an entry in ClinVar:

ClinVar aggregate classification (germline): Uncertain significance. Review status: criteria provided, multiple submitters, no conflicts (2 of 4 stars). 3 submissions from 3 submitters: Uncertain significance (3). Last evaluated 2025-07-01.

Conditions:
CEP164-related disorder. Also called: CEP164-related condition.
Nephronophthisis 15 (NPHP15). Identifiers: Orphanet 3156, MedGen C3541853, MONDO:0013917, OMIM 614845.

Allele frequency attached by ClinVar (database versions not stated): ExAC 0.00001; gnomAD exomes 0.00001; gnomAD 0.00002.
gnomAD v4.1: 22 of 1,609,810 alleles (0.0014%); highest among the groups gnomAD compares: Non-Finnish European, 0.0017%; no homozygotes.

Submissions (3):

PreventionGenetics, part of Exact Sciences
Classification: Uncertain significance for CEP164-related condition. Last evaluated: 2025-07-01. Review status: criteria provided, single submitter. Criteria: ACMG Guidelines, 2015. Collection method: clinical testing. Allele origin: germline.
Comment: The CEP164 c.3770C>T variant is predicted to result in the amino acid substitution p.Thr1257Ile. To our knowledge, this variant has not been reported in the literature. This variant is reported in 0.0040% of alleles in individuals of European (Finnish) descent in gnomAD. At this time, the clinical significance of this variant is uncertain due to the absence of conclusive functional and genetic evidence.

Fulgent Genetics
Classification: Uncertain significance for Nephronophthisis 15. Last evaluated: 2024-02-11. Review status: criteria provided, single submitter. Criteria: ACMG Guidelines, 2015. Collection method: clinical testing. Allele origin: germline.

Labcorp Genetics (formerly Invitae), Labcorp
Classification: Uncertain significance for Nephronophthisis 15. Last evaluated: 2022-08-05. Review status: criteria provided, single submitter. Criteria: Invitae Variant Classification Sherloc (09022015). Collection method: clinical testing. Allele origin: germline.
Comment: This sequence change replaces threonine, which is neutral and polar, with isoleucine, which is neutral and non-polar, at codon 1257 of the CEP164 protein (p.Thr1257Ile). This variant is present in population databases (rs750885584, gnomAD 0.004%). This variant has not been reported in the literature in individuals affected with CEP164-related conditions. Algorithms developed to predict the effect of missense changes on protein structure and function output the following: SIFT: "Tolerated"; PolyPhen-2: "Benign"; Align-GVGD: "Class C0". The isoleucine amino acid residue is found in multiple mammalian species, which suggests that this missense change does not adversely affect protein function. In summary, the available evidence is currently insufficient to determine the role of this variant in disease. Therefore, it has been classified as a Variant of Uncertain Significance.

NM_014956.5(CEP164):c.3770C>T (p.Thr1257Ile)

Gene: CEP164 (centrosomal protein 164; plus strand). Cytogenetic location: 11q23.3.
Variant type: single nucleotide variant.
Coding change: c.3770C>T on transcript NM_014956.5 (MANE Select); coding-DNA position 3770, C replaced by T.
Protein change: p.Thr1257Ile; replaces threonine 1257 with isoleucine.
Molecular consequence: missense variant.
Genome position (GRCh38, 1-based): chr11:117,409,639, C>T. VCF-style: chr11-117409639-C-T. GRCh37 (hg19) VCF-style: chr11-117280355-C-T.
Other names: c.3755C>T, p.Thr1252Ile (NM_001271933.2); c.3770C>T (NM_014956.4); short protein forms T1257I, T1252I.
Identifiers: ClinVar variation 1985539 (VCV001985539.3), dbSNP rs750885584, ClinGen allele CA6295578.